The following is an entry in ClinVar:

NM_001621.5(AHR):c.1625T>C (p.Ile542Thr)

Gene: AHR (aryl hydrocarbon receptor; plus strand). Cytogenetic location: 7p21.1.
Variant type: single nucleotide variant.
Coding change: c.1625T>C on transcript NM_001621.5 (MANE Select); coding-DNA position 1625, T replaced by C.
Protein change: p.Ile542Thr; replaces isoleucine 542 with threonine.
Molecular consequence: missense variant.
Genome position (GRCh38, 1-based): chr7:17,339,450, T>C. VCF-style: chr7-17339450-T-C. GRCh37 (hg19) VCF-style: chr7-17379074-T-C.
Other names: short protein forms I542T.
Identifiers: ClinVar variation 960895 (VCV000960895.9), dbSNP rs1782393762, ClinGen allele CA366894708.

ClinVar aggregate classification (germline): Uncertain significance (1 of 4 stars; one submission).

gnomAD v4.1: 1 of 1,614,160 alleles (0.000062%); highest among the groups gnomAD compares: Non-Finnish European, 0.000085%; no homozygotes.

Submission:

Labcorp Genetics (formerly Invitae), Labcorp
Classification: Uncertain significance. Last evaluated: 2025-03-31. Review status: criteria provided, single submitter. Criteria: Invitae Variant Classification Sherloc (09022015). Collection method: clinical testing. Allele origin: germline.
Comment: This sequence change replaces isoleucine, which is neutral and non-polar, with threonine, which is neutral and polar, at codon 542 of the AHR protein (p.Ile542Thr). This variant is not present in population databases (gnomAD no frequency). This variant has not been reported in the literature in individuals affected with AHR-related conditions. ClinVar contains an entry for this variant (Variation ID: 960895). An algorithm developed to predict the effect of missense changes on protein structure and function (PolyPhen-2) suggests that this variant is likely to be tolerated. In summary, the available evidence is currently insufficient to determine the role of this variant in disease. Therefore, it has been classified as a Variant of Uncertain Significance.